The following is an entry in ClinVar:

ClinVar aggregate classification (germline): Pathogenic/Likely pathogenic. Review status: criteria provided, multiple submitters, no conflicts (2 of 4 stars). 4 submissions from 4 submitters: Pathogenic (2); Likely pathogenic (2). Last evaluated 2024-03-14.

Conditions:
USH2A-related disorder. Also called: USH2A-related condition; USH2A-related disorders. Identifiers: MedGen CN239332.
Retinitis pigmentosa 39 (RP39). Identifiers: Orphanet 791, MedGen C3151138, MONDO:0013436, OMIM 613809.
Usher syndrome type 2A. Also called: RETINAL DISEASE IN USHER SYNDROME TYPE IIA, MODIFIER OF; USHER SYNDROME, TYPE IIA. Identifiers: Orphanet 231178, Orphanet 886, MedGen C1848634, MONDO:0010169, OMIM 276901.

gnomAD v4.1: 1 of 1,613,562 alleles (0.000062%); highest among the groups gnomAD compares: Non-Finnish European, 0.000085%; no homozygotes.

Submissions (4):

Baylor Genetics
Classification: Likely pathogenic for Retinitis pigmentosa 39. Last evaluated: 2024-03-14. Review status: criteria provided, single submitter. Criteria: ACMG Guidelines, 2015. Collection method: clinical testing. Allele origin: unknown.

Fulgent Genetics
Classification: Likely pathogenic for Usher syndrome type 2A; Retinitis pigmentosa 39. Last evaluated: 2024-01-18. Review status: criteria provided, single submitter. Criteria: ACMG Guidelines, 2015. Collection method: clinical testing. Allele origin: germline.

Labcorp Genetics (formerly Invitae), Labcorp
Classification: Pathogenic. Last evaluated: 2023-02-16. Review status: criteria provided, single submitter. Criteria: Invitae Variant Classification Sherloc (09022015). Collection method: clinical testing. Allele origin: germline.
Comment: This sequence change affects a donor splice site in intron 43 of the USH2A gene. It is expected to disrupt RNA splicing. Variants that disrupt the donor or acceptor splice site typically lead to a loss of protein function (PMID: 16199547), and loss-of-function variants in USH2A are known to be pathogenic (PMID: 10729113, 10909849, 20507924, 25649381). This variant is not present in population databases (gnomAD no frequency). Disruption of this splice site has been observed in individuals with clinical features of Usher syndrome or non-syndromic retinitis pigmentosa (PMID: 28944237; Invitae). Algorithms developed to predict the effect of sequence changes on RNA splicing suggest that this variant may disrupt the consensus splice site. For these reasons, this variant has been classified as Pathogenic.

Blueprint Genetics
Classification: Pathogenic for USH2A-related disorders. Last evaluated: 2022-04-05. Review status: criteria provided, single submitter. Criteria: ACMG Guidelines, 2015. Collection method: clinical testing. Allele origin: germline. Affected: yes. Observed: 4 variant alleles.

Literature cited by the submitters: PubMed 16199547 (cited by Labcorp Genetics (formerly Invitae), Labcorp); PubMed 10729113 (cited by Labcorp Genetics (formerly Invitae), Labcorp); PubMed 10909849 (cited by Labcorp Genetics (formerly Invitae), Labcorp); PubMed 20507924 (cited by Labcorp Genetics (formerly Invitae), Labcorp); PubMed 25649381 (cited by Labcorp Genetics (formerly Invitae), Labcorp); PubMed 28944237 (cited by Labcorp Genetics (formerly Invitae), Labcorp).

NM_206933.4(USH2A):c.8681+1G>C

Gene: USH2A (usherin; minus strand). Cytogenetic location: 1q41.
Variant type: single nucleotide variant.
Coding change: c.8681+1G>C on transcript NM_206933.4 (MANE Select); the canonical splice donor site of the intron after coding-DNA position 8681, G replaced by C.
Molecular consequence: splice donor variant.
Genome position (GRCh38, 1-based): chr1:215,877,757, C>G on the plus strand (G>C on the coding strand, the complement: USH2A is on the minus strand). VCF-style: chr1-215877757-C-G. GRCh37 (hg19) VCF-style: chr1-216051099-C-G.
Identifiers: ClinVar variation 2845475 (VCV002845475.6), dbSNP rs876657733, ClinGen allele CA344828770.